The following is an entry in ClinVar:

ClinVar aggregate classification (germline): Uncertain significance. Review status: criteria provided, multiple submitters, no conflicts (2 of 4 stars). 2 submissions from 2 submitters: Uncertain significance (2). Last evaluated 2024-07-02.

Conditions:
Inborn genetic diseases. Identifiers: MedGen C0950123, MeSH D030342.

Allele frequency attached by ClinVar (database versions not stated): TOPMed below 0.00001.
gnomAD v4.1: 15 of 1,426,752 alleles (0.0011%); highest among the groups gnomAD compares: South Asian, 0.016%; no homozygotes.

Submissions (2):

Ambry Genetics
Classification: Uncertain significance for Inborn genetic diseases. Last evaluated: 2024-07-02. Review status: criteria provided, single submitter. Criteria: Ambry Variant Classification Scheme 2023. Collection method: clinical testing. Allele origin: germline.

CeGaT Center for Human Genetics Tuebingen
Classification: Uncertain significance. Last evaluated: 2022-09-01. Review status: criteria provided, single submitter. Criteria: CeGaT Center For Human Genetics Tuebingen Variant Classification Criteria Version 2. Collection method: clinical testing. Allele origin: germline. Affected: yes. Observed: 1 variant allele.
Comment: CUX1: PP2

NM_181552.4(CUX1):c.4100C>G (p.Pro1367Arg)

Gene: CUX1 (cut like homeobox 1; plus strand). Cytogenetic location: 7q22.1.
Variant type: single nucleotide variant.
Coding change: c.4100C>G on transcript NM_181552.4 (MANE Select); coding-DNA position 4100, C replaced by G.
Protein change: p.Pro1367Arg; replaces proline 1367 with arginine.
Molecular consequence: missense variant. On other transcripts: intron variant (5).
Genome position (GRCh38, 1-based): chr7:102,248,624, C>G. VCF-style: chr7-102248624-C-G. GRCh37 (hg19) VCF-style: chr7-101891904-C-G.
Other names: c.4133C>G (NM_001202543.1); c.4133C>G, p.Pro1378Arg (NM_001202543.2); c.1256-24742C>G (NM_001913.5); c.1250-24742C>G (NM_181500.4); c.1118-24742C>G (NM_001202545.3); c.1208-24742C>G (NM_001202544.3); c.1139-24742C>G (NM_001202546.3); short protein forms P1367R, P1378R.
Identifiers: ClinVar variation 2657875 (VCV002657875.25), dbSNP rs1554537949, ClinGen allele CA368668854.